The following is an entry in ClinVar:

ClinVar aggregate classification (germline): Conflicting classifications of pathogenicity. Review status: criteria provided, conflicting classifications (1 of 4 stars). 3 submissions from 3 submitters: Uncertain significance (1); Benign (1). 1 of the submissions does not count toward it. Last evaluated 2026-01-20.

Conditions:
ABCA12-related disorder. Also called: ABCA12-related condition.
Congenital ichthyosis of skin. Identifiers: MedGen C0020758.

Allele frequency attached by ClinVar (database versions not stated): gnomAD 0.00020 and 0.00022; ESP Exome Variant Server 0.00023; TOPMed 0.00024; gnomAD exomes 0.00031 and 0.00049; ExAC 0.00035; 1000 Genomes Project 0.00040; 1000 Genomes Project 30x 0.00047.
gnomAD v4.1: 746 of 1,613,716 alleles (0.046%); highest among the groups gnomAD compares: South Asian, 0.097%; 2 homozygotes.

Submissions (3):

Labcorp Genetics (formerly Invitae), Labcorp
Classification: Benign. Last evaluated: 2026-01-20. Review status: criteria provided, single submitter. Criteria: Invitae Variant Classification Sherloc (09022015). Collection method: clinical testing. Allele origin: germline.

Illumina Laboratory Services, Illumina
Classification: Uncertain significance for Congenital ichthyosis of skin. Last evaluated: 2018-01-13. Review status: criteria provided, single submitter. Criteria: ICSL Variant Classification Criteria 13 December 2019. Collection method: clinical testing. Allele origin: germline.

PreventionGenetics, part of Exact Sciences
Classification: Likely benign for ABCA12-related condition. Last evaluated: 2019-11-27. Review status: no assertion criteria provided. Collection method: clinical testing. Allele origin: germline. Not counted in ClinVar's aggregate classification.
Comment: This variant is classified as likely benign based on ACMG/AMP sequence variant interpretation guidelines (Richards et al. 2015 PMID: 25741868, with internal and published modifications).

NM_173076.3(ABCA12):c.4707C>T (p.Gly1569=)

Gene: ABCA12 (ATP binding cassette subfamily A member 12; minus strand). Cytogenetic location: 2q35.
Variant type: single nucleotide variant.
Coding change: c.4707C>T on transcript NM_173076.3 (MANE Select); coding-DNA position 4707, C replaced by T.
Protein change: p.Gly1569=; no amino-acid change (glycine 1569 retained).
Molecular consequence: synonymous variant. On other transcripts: non-coding transcript variant (1).
Genome position (GRCh38, 1-based): chr2:214,980,516, G>A on the plus strand (C>T on the coding strand, the complement: ABCA12 is on the minus strand). VCF-style: chr2-214980516-G-A. GRCh37 (hg19) VCF-style: chr2-215845240-G-A.
Other names: c.3753C>T, p.Gly1251= (NM_015657.4).
Identifiers: ClinVar variation 334242 (VCV000334242.14), dbSNP rs202141656, ClinGen allele CA2091412.